The following is an entry in ClinVar:

NM_032119.4(ADGRV1):c.15830G>A (p.Arg5277His)

Gene: ADGRV1 (adhesion G protein-coupled receptor V1; plus strand). Cytogenetic location: 5q14.3.
Variant type: single nucleotide variant.
Coding change: c.15830G>A on transcript NM_032119.4 (MANE Select); coding-DNA position 15830, G replaced by A.
Protein change: p.Arg5277His; replaces arginine 5277 with histidine.
Molecular consequence: missense variant. On other transcripts: non-coding transcript variant (1).
Genome position (GRCh38, 1-based): chr5:90,811,090, G>A. VCF-style: chr5-90811090-G-A. GRCh37 (hg19) VCF-style: chr5-90106907-G-A.
Other names: short protein forms R5277H.
Identifiers: ClinVar variation 804497 (VCV000804497.15), dbSNP rs747856236, ClinGen allele CA3341987.
Genomic context (GRCh38, chr5:90,811,090, plus strand): 5'-TAACAGTTAAAACTTTCGGTGAAAGATGTGCTCAGATGGAACCAAATGCATTGCCCTTTC[G>A]TGGTATCTATGGGATTTCCAACCTAACATGGGCAGTTGAAGAAGAAGACTTTGAAGAACA-3'
Protein context (NP_115495.3, residues 5267-5287): AQMEPNALPF[Arg5277His]GIYGISNLTW

ClinVar aggregate classification (germline): Conflicting classifications of pathogenicity. Review status: criteria provided, conflicting classifications (1 of 4 stars). 7 submissions from 7 submitters: Uncertain significance (6); Likely benign (1). Last evaluated 2025-10-06.

Conditions:
Usher syndrome type 2C. Also called: Usher syndrome, type 2B; USHER SYNDROME, TYPE IIC. Identifiers: Orphanet 231178, Orphanet 886, MedGen C2931213, MONDO:0011558, OMIM 605472.
ADGRV1-related disorder. Also called: ADGRV1-related disorders; ADGRV1-related condition.
Inborn genetic diseases. Identifiers: MedGen C0950123, MeSH D030342.

Allele frequency attached by ClinVar (database versions not stated): gnomAD 0.00003; TOPMed 0.00005.
gnomAD v4.1: 156 of 1,613,756 alleles (0.0097%); highest among the groups gnomAD compares: Non-Finnish European, 0.013%; no homozygotes.

Submissions (7):

PreventionGenetics, part of Exact Sciences
Classification: Uncertain significance for ADGRV1-related condition. Last evaluated: 2025-10-06. Review status: criteria provided, single submitter. Criteria: ACMG Guidelines, 2015. Collection method: clinical testing. Allele origin: germline.
Comment: The ADGRV1 c.15830G>A variant is predicted to result in the amino acid substitution p.Arg5277His. To our knowledge, this variant has not been reported in the literature. This variant is present in 0.0071% of alleles in individuals of European (Non-Finnish) descent in gnomAD. At this time, the clinical significance of this variant is uncertain due to the absence of conclusive functional and genetic evidence.

Labcorp Genetics (formerly Invitae), Labcorp
Classification: Uncertain significance. Last evaluated: 2025-04-16. Review status: criteria provided, single submitter. Criteria: Invitae Variant Classification Sherloc (09022015). Collection method: clinical testing. Allele origin: germline.
Comment: This sequence change replaces arginine, which is basic and polar, with histidine, which is basic and polar, at codon 5277 of the ADGRV1 protein (p.Arg5277His). This variant is present in population databases (rs747856236, gnomAD 0.008%). This variant has not been reported in the literature in individuals affected with ADGRV1-related conditions. ClinVar contains an entry for this variant (Variation ID: 804497). An algorithm developed to predict the effect of missense changes on protein structure and function outputs the following: PolyPhen-2: "Benign". The histidine amino acid residue is found in multiple mammalian species, which suggests that this missense change does not adversely affect protein function. In summary, the available evidence is currently insufficient to determine the role of this variant in disease. Therefore, it has been classified as a Variant of Uncertain Significance.

Blueprint Genetics
Classification: Uncertain significance. Last evaluated: 2024-07-22. Review status: criteria provided, single submitter. Criteria: ACMG Guidelines, 2015. Collection method: clinical testing. Allele origin: germline.

GeneDx
Classification: Uncertain significance. Last evaluated: 2021-12-23. Review status: criteria provided, single submitter. Criteria: GeneDx Variant Classification Process June 2021. Collection method: clinical testing. Allele origin: germline. Affected: yes.
Comment: In silico analysis supports that this missense variant does not alter protein structure/function; Has not been previously published as pathogenic or benign to our knowledge

Ambry Genetics
Classification: Likely benign for Inborn genetic diseases. Last evaluated: 2021-12-06. Review status: criteria provided, single submitter. Criteria: Ambry Variant Classification Scheme 2023. Collection method: clinical testing. Allele origin: germline.

Athena Diagnostics
Classification: Uncertain significance. Last evaluated: 2019-02-12. Review status: criteria provided, single submitter. Criteria: Athena Diagnostics Criteria. Collection method: clinical testing. Allele origin: germline.

Illumina Laboratory Services, Illumina
Classification: Uncertain significance for Usher syndrome type 2C. Last evaluated: 2018-01-13. Review status: criteria provided, single submitter. Criteria: ICSL Variant Classification Criteria 13 December 2019. Collection method: clinical testing. Allele origin: germline.